The following is an entry in ClinVar:

ClinVar aggregate classification (germline): Uncertain significance (1 of 4 stars; one submission).

Allele frequency attached by ClinVar (database versions not stated): gnomAD 0.00002 and 0.00004; TOPMed 0.00003; gnomAD exomes 0.00004 and 0.00009; ESP Exome Variant Server 0.00008; ExAC 0.00012; 1000 Genomes Project 30x 0.00031; 1000 Genomes Project 0.00040.
gnomAD v4.1: 70 of 1,613,992 alleles (0.0043%); highest among the groups gnomAD compares: East Asian, 0.1%; no homozygotes.

Submission:

Labcorp Genetics (formerly Invitae), Labcorp
Classification: Uncertain significance. Last evaluated: 2023-07-10. Review status: criteria provided, single submitter. Criteria: Invitae Variant Classification Sherloc (09022015). Collection method: clinical testing. Allele origin: germline.
Comment: This sequence change replaces alanine, which is neutral and non-polar, with valine, which is neutral and non-polar, at codon 1489 of the CUL7 protein (p.Ala1489Val). This variant is present in population databases (rs200587174, gnomAD 0.1%). This variant has not been reported in the literature in individuals affected with CUL7-related conditions. ClinVar contains an entry for this variant (Variation ID: 1365635). Advanced modeling of protein sequence and biophysical properties (such as structural, functional, and spatial information, amino acid conservation, physicochemical variation, residue mobility, and thermodynamic stability) performed at Invitae indicates that this missense variant is not expected to disrupt CUL7 protein function. In summary, the available evidence is currently insufficient to determine the role of this variant in disease. Therefore, it has been classified as a Variant of Uncertain Significance.

NM_014780.5(CUL7):c.4466C>T (p.Ala1489Val)

Gene: CUL7 (cullin 7; minus strand). Cytogenetic location: 6p21.1.
Variant type: single nucleotide variant.
Coding change: c.4466C>T on transcript NM_014780.5 (MANE Select); coding-DNA position 4466, C replaced by T.
Protein change: p.Ala1489Val; replaces alanine 1489 with valine.
Molecular consequence: missense variant.
Genome position (GRCh38, 1-based): chr6:43,038,667, G>A on the plus strand (C>T on the coding strand, the complement: CUL7 is on the minus strand). VCF-style: chr6-43038667-G-A. GRCh37 (hg19) VCF-style: chr6-43006405-G-A.
Other names: c.4562C>T, p.Ala1521Val (NM_001168370.2, NM_001374872.1); c.4466C>T, p.Ala1489Val (NM_001374873.1); c.4463C>T, p.Ala1488Val (NM_001374874.1); short protein forms A1489V, A1488V, A1521V.
Identifiers: ClinVar variation 1365635 (VCV001365635.5), dbSNP rs200587174, ClinGen allele CA3813193.